The following is an entry in ClinVar:

ClinVar aggregate classification (germline): Pathogenic (1 of 4 stars; one submission).

Submission:

Labcorp Genetics (formerly Invitae), Labcorp
Classification: Pathogenic. Last evaluated: 2022-11-27. Review status: criteria provided, single submitter. Criteria: Invitae Variant Classification Sherloc (09022015). Collection method: clinical testing. Allele origin: germline.
Comment: For these reasons, this variant has been classified as Pathogenic. This premature translational stop signal has been observed in individuals with hypophosphatemia (PMID: 22101457; Invitae). ClinVar contains an entry for this variant (Variation ID: 1073482). This variant is not present in population databases (gnomAD no frequency). This sequence change creates a premature translational stop signal (p.Glu608Ilefs*6) in the PHEX gene. It is expected to result in an absent or disrupted protein product. Loss-of-function variants in PHEX are known to be pathogenic (PMID: 9097956, 9106524, 19219621).

Literature cited by the submitters: PubMed 22101457; PubMed 9097956; PubMed 9106524; PubMed 19219621.

NM_000444.6(PHEX):c.1818_1821dup (p.Glu608fs)

Genes: PHEX (phosphate regulating endopeptidase X-linked; plus strand), PTCHD1-AS (PTCHD1 and PHEX antisense RNA; minus strand). Cytogenetic location: Xp22.11.
Variant type: Duplication.
Coding change: c.1818_1821dup on transcript NM_000444.6 (MANE Select); coding-DNA positions 1818 to 1821, 4 bases duplicated (ATCA; older notation c.1818_1821dupATCA).
Protein change: p.Glu608fs; shifts the reading frame from glutamic acid 608.
Molecular consequence: frameshift variant.
Genome position (GRCh38, 1-based): chrX:22,221,662-22,221,665, ATCA duplicated; duplicating any 4 consecutive bases within chrX:22,221,661-22,221,665 gives the same sequence; the c. name uses the placement nearest the transcript's 3' end. VCF-style (leftmost placement, unchanged base first): chrX-22221660-G-GAATC. GRCh37 (hg19) VCF-style: chrX-22239777-G-GAATC.
Other names: c.1818_1821dup, p.Glu608fs (NM_001282754.2); short protein forms E608fs.
Identifiers: ClinVar variation 1073482 (VCV001073482.9), dbSNP rs2147174461, ClinGen allele CA2499226582.